The following is an entry in ClinVar:

NM_006939.4(SOS2):c.3850C>G (p.Leu1284Val)

Gene: SOS2 (SOS Ras/Rho guanine nucleotide exchange factor 2; minus strand). Cytogenetic location: 14q21.3.
Variant type: single nucleotide variant.
Coding change: c.3850C>G on transcript NM_006939.4 (MANE Select); coding-DNA position 3850, C replaced by G.
Protein change: p.Leu1284Val; replaces leucine 1284 with valine.
Molecular consequence: missense variant.
Genome position (GRCh38, 1-based): chr14:50,118,493, G>C on the plus strand (C>G on the coding strand, the complement: SOS2 is on the minus strand). VCF-style: chr14-50118493-G-C. GRCh37 (hg19) VCF-style: chr14-50585211-G-C.
Other names: c.3751C>G, p.Leu1251Val (NM_001411020.1); short protein forms L1251V, L1284V.
Identifiers: ClinVar variation 2107374 (VCV002107374.4), dbSNP rs1883381723, ClinGen allele CA389637355.

ClinVar aggregate classification (germline): Uncertain significance (1 of 4 stars; one submission).

Conditions:
Noonan syndrome 9 (NS9). Identifiers: Orphanet 648, MedGen C4225282, MONDO:0014691, OMIM 616559.

Submission:

Labcorp Genetics (formerly Invitae), Labcorp
Classification: Uncertain significance for Noonan syndrome 9. Last evaluated: 2022-03-06. Review status: criteria provided, single submitter. Criteria: Invitae Variant Classification Sherloc (09022015). Collection method: clinical testing. Allele origin: germline.
Comment: This sequence change replaces leucine, which is neutral and non-polar, with valine, which is neutral and non-polar, at codon 1284 of the SOS2 protein (p.Leu1284Val). This variant is not present in population databases (gnomAD no frequency). This variant has not been reported in the literature in individuals affected with SOS2-related conditions. Advanced modeling of protein sequence and biophysical properties (such as structural, functional, and spatial information, amino acid conservation, physicochemical variation, residue mobility, and thermodynamic stability) performed at Invitae indicates that this missense variant is not expected to disrupt SOS2 protein function. In summary, the available evidence is currently insufficient to determine the role of this variant in disease. Therefore, it has been classified as a Variant of Uncertain Significance.